The following is an entry in ClinVar:

ClinVar aggregate classification (germline): Pathogenic (1 of 4 stars; one submission).

Submission:

Labcorp Genetics (formerly Invitae), Labcorp
Classification: Pathogenic. Last evaluated: 2024-12-24. Review status: criteria provided, single submitter. Criteria: Invitae Variant Classification Sherloc (09022015). Collection method: clinical testing. Allele origin: germline.
Comment: This sequence change creates a premature translational stop signal (p.Val168Glyfs*4) in the PKDCC gene. It is expected to result in an absent or disrupted protein product. Loss-of-function variants in PKDCC are known to be pathogenic (PMID: 19097194, 30478137). This variant is not present in population databases (gnomAD no frequency). This variant has not been reported in the literature in individuals affected with PKDCC-related conditions. For these reasons, this variant has been classified as Pathogenic.

Literature cited by the submitters: PubMed 19097194; PubMed 30478137.

NM_138370.3(PKDCC):c.502dup (p.Val168fs)

Genes: PKDCC (protein kinase domain containing, cytoplasmic; plus strand), LOC129933566 (ATAC-STARR-seq lymphoblastoid active region 15635; plus strand). Cytogenetic location: 2p21.
Variant type: Duplication.
Coding change: c.502dup on transcript NM_138370.3 (MANE Select); coding-DNA position 502, one base duplicated (G; older notation c.502dupG).
Protein change: p.Val168fs; shifts the reading frame from valine 168.
Molecular consequence: frameshift variant.
Genome position (GRCh38, 1-based): chr2:42,048,701, G duplicated; the last of 2 consecutive G bases (chr2:42,048,700-42,048,701); duplicating either gives the same sequence. VCF-style (leftmost placement, unchanged base first): chr2-42048699-C-CG. GRCh37 (hg19) VCF-style: chr2-42275839-C-CG.
Other names: short protein forms V168fs.
Identifiers: ClinVar variation 3672857 (VCV003672857.2).